The following is an entry in ClinVar:

NC_000011.9:g.(?_2790054)_(2799287_?)del

Gene: KCNQ1 (potassium voltage-gated channel subfamily Q member 1; plus strand). Cytogenetic location: 11p15.5.
Variant type: Deletion.
Identifiers: ClinVar variation 1410886 (VCV001410886.5).

ClinVar aggregate classification (germline): Pathogenic (1 of 4 stars; one submission).

Conditions:
Long QT syndrome (LQTS). Identifiers: MedGen C0023976, MeSH D008133, MONDO:0002442. Disease mechanism: loss of function. Inheritance: Various modes of inheritance.

Submission:

Labcorp Genetics (formerly Invitae), Labcorp
Classification: Pathogenic for Long QT syndrome. Last evaluated: 2021-12-13. Review status: criteria provided, single submitter. Criteria: Invitae Variant Classification Sherloc (09022015). Collection method: clinical testing. Allele origin: germline.
Comment: This variant is a gross deletion of the genomic region encompassing exon(s) 12-15 of the KCNQ1 gene. While this deletion is not anticipated to lead to nonsense mediated decay, it is expected to disrupt the C-terminus of the protein. A similar copy number variant has been observed in individual(s) with clinical features of long QT syndrome (Invitae). This variant disrupts a region of the KCNQ1 protein in which other variant(s) (p.Arg632Glnfs*20) have been determined to be pathogenic (PMID: 10024302, 16981927, 19825999, 23098067, 23631430, 25187895). This suggests that this is a clinically significant region of the protein, and that variants that disrupt it are likely to be disease-causing. For these reasons, this variant has been classified as Pathogenic.

Literature cited by the submitters: PubMed 10024302; PubMed 16981927; PubMed 19825999; PubMed 23098067; PubMed 23631430; PubMed 25187895.